The following is an entry in ClinVar:

NM_001252024.2(TRPM1):c.239T>C (p.Val80Ala)

Gene: TRPM1 (transient receptor potential cation channel subfamily M member 1; minus strand). Cytogenetic location: 15q13.3.
Variant type: single nucleotide variant.
Coding change: c.239T>C on transcript NM_001252024.2 (MANE Select); coding-DNA position 239, T replaced by C.
Protein change: p.Val80Ala; replaces valine 80 with alanine.
Molecular consequence: missense variant.
Genome position (GRCh38, 1-based): chr15:31,070,071, A>G on the plus strand (T>C on the coding strand, the complement: TRPM1 is on the minus strand). VCF-style: chr15-31070071-A-G. GRCh37 (hg19) VCF-style: chr15-31362274-A-G.
Other names: c.290T>C, p.Val97Ala (NM_001252020.2); c.173T>C, p.Val58Ala (NM_001252030.2, NM_002420.6); short protein forms V97A, V58A, V80A.
Identifiers: ClinVar variation 1523902 (VCV001523902.4), dbSNP rs1362754036, ClinGen allele CA391536998.
Genomic context (GRCh38, chr15:31,070,071, plus strand): 5'-TGTCTGAATGCCTTTCTCACCATGGCTTTATTGGAATATCCGCCACCCTGGAATTCAAGA[A>G]CTCCATAGGAATCTGTTGGGTAGCTCTGGGTGTGCTTGGCAACAGACCATTTCTCAGGCT-3'
Protein context (NP_001238953.1, residues 70-90): TQSYPTDSYG[Val80Ala]LEFQGGGYSN

ClinVar aggregate classification (germline): Uncertain significance (1 of 4 stars; one submission).

Allele frequency attached by ClinVar (database versions not stated): gnomAD exomes below 0.00001; TOPMed below 0.00001.
gnomAD v4.1: 2 of 1,613,974 alleles (0.00012%); highest among the groups gnomAD compares: African/African-American, 0.0013%; no homozygotes.

Submission:

Labcorp Genetics (formerly Invitae), Labcorp
Classification: Uncertain significance. Last evaluated: 2024-01-02. Review status: criteria provided, single submitter. Criteria: Invitae Variant Classification Sherloc (09022015). Collection method: clinical testing. Allele origin: germline.
Comment: This sequence change replaces valine, which is neutral and non-polar, with alanine, which is neutral and non-polar, at codon 58 of the TRPM1 protein (p.Val58Ala). This variant is not present in population databases (gnomAD no frequency). This variant has not been reported in the literature in individuals affected with TRPM1-related conditions. ClinVar contains an entry for this variant (Variation ID: 1523902). Advanced modeling of protein sequence and biophysical properties (such as structural, functional, and spatial information, amino acid conservation, physicochemical variation, residue mobility, and thermodynamic stability) performed at Invitae indicates that this missense variant is not expected to disrupt TRPM1 protein function with a negative predictive value of 95%. In summary, the available evidence is currently insufficient to determine the role of this variant in disease. Therefore, it has been classified as a Variant of Uncertain Significance.